The following is an entry in ClinVar:

ClinVar aggregate classification (germline): Likely benign (1 of 4 stars; one submission).

Allele frequency attached by ClinVar (database versions not stated): gnomAD 0.00030.
gnomAD v4.1: 107 of 1,587,368 alleles (0.0067%); highest among the groups gnomAD compares: African/African-American, 0.091%; 8 homozygotes.

Submission:

CeGaT Center for Human Genetics Tuebingen
Classification: Likely benign. Last evaluated: 2023-04-01. Review status: criteria provided, single submitter. Criteria: CeGaT Center For Human Genetics Tuebingen Variant Classification Criteria Version 2. Collection method: clinical testing. Allele origin: germline. Affected: yes. Observed: 1 variant allele.
Comment: AHNAK2: BP4, BP7, BS2

NM_138420.4(AHNAK2):c.4701C>G (p.Ser1567=)

Gene: AHNAK2 (AHNAK nucleoprotein 2; minus strand). Cytogenetic location: 14q32.33.
Variant type: single nucleotide variant.
Coding change: c.4701C>G on transcript NM_138420.4 (MANE Select); coding-DNA position 4701, C replaced by G.
Protein change: p.Ser1567=; no amino-acid change (serine 1567 retained).
Molecular consequence: synonymous variant.
Genome position (GRCh38, 1-based): chr14:104,950,750, G>C on the plus strand (C>G on the coding strand, the complement: AHNAK2 is on the minus strand). VCF-style: chr14-104950750-G-C. GRCh37 (hg19) VCF-style: chr14-105417087-G-C.
Other names: c.4401C>G, p.Ser1467= (NM_001350929.2).
Identifiers: ClinVar variation 2644820 (VCV002644820.24), dbSNP rs771514954, ClinGen allele CA7382267.